The following is an entry in ClinVar:

NM_000257.4(MYH7):c.1062C>T (p.Gly354=)

Gene: MYH7 (myosin heavy chain 7; minus strand). Cytogenetic location: 14q11.2.
Variant type: single nucleotide variant.
Coding change: c.1062C>T on transcript NM_000257.4 (MANE Select); coding-DNA position 1062, C replaced by T.
Protein change: p.Gly354=; no amino-acid change (glycine 354 retained).
Molecular consequence: synonymous variant.
Genome position (GRCh38, 1-based): chr14:23,429,851, G>A on the plus strand (C>T on the coding strand, the complement: MYH7 is on the minus strand). VCF-style: chr14-23429851-G-A. GRCh37 (hg19) VCF-style: chr14-23899060-G-A.
Other names: p.G354G:GGC>GGT; NM_000257.3(MYH7):c.1062C>T.
Identifiers: ClinVar variation 42819 (VCV000042819.46), dbSNP rs735712, ClinGen allele CA010125.

ClinVar aggregate classification (germline): Benign. Review status: reviewed by expert panel (3 of 4 stars). 21 submissions from 19 submitters: Benign (1). 20 of the submissions do not count toward it. Last evaluated 2025-11-11.

Conditions:
Myosin storage myopathy (CMYO7A). Also called: MYOPATHY WITH LYSIS OF TYPE I MYOFIBRILS; MYOPATHY, HYALINE BODY, AUTOSOMAL DOMINANT; MYH7-related late-onset scapuloperoneal muscular dystrophy; Congenital myopathy 7A, myosin storage, autosomal dominant; SCAPULOPERONEAL MUSCULAR DYSTROPHY; SCAPULOPERONEAL SYNDROME, MYOPATHIC TYPE. Identifiers: Orphanet 437572, Orphanet 636965, MedGen C1842160, MONDO:0008409, OMIM 608358.
Cardiovascular phenotype. Identifiers: MedGen CN230736.
Cardiomyopathy (CMYO). Also called: Cardiomyopathies. Identifiers: Orphanet 167848, MedGen C0878544, MONDO:0004994, HP:0001638. Inheritance: Various modes of inheritance.
Hypertrophic cardiomyopathy 1 (CMH1). Also called: MYH7-Related Familial Hypertrophic Cardiomyopathy; Familial hypertrophic cardiomyopathy 1. Identifiers: MedGen C3495498, MONDO:0008647, OMIM 192600.
MYH7-related skeletal myopathy. Also called: Myopathy, distal, 1; Laing distal myopathy; Laing early-onset distal myopathy; MYOPATHY, DISTAL, EARLY-ONSET, AUTOSOMAL DOMINANT; MYOPATHY, LATE DISTAL HEREDITARY. Identifiers: Orphanet 59135, MedGen C4552004, MONDO:0008050, OMIM 160500.
Hypertrophic cardiomyopathy. Also called: HYPERTROPHIC MYOCARDIOPATHY. Identifiers: Orphanet 217569, MedGen C0007194, MeSH D002312, MONDO:0005045, HP:0001639.

Allele frequency attached by ClinVar (database versions not stated): 1000 Genomes Project 30x 0.05981; TOPMed 0.06080; gnomAD 0.06133 and 0.06188; ESP Exome Variant Server 0.06259; 1000 Genomes Project 0.06390; gnomAD exomes 0.07034 and 0.07422; ExAC 0.07043.
gnomAD v4.1: 118,013 of 1,613,886 alleles (7.3%); highest among the groups gnomAD compares: South Asian, 9.9%; 4,547 homozygotes.

Submissions (26):

ClinGen Cardiomyopathy Variant Curation Expert Panel
Classification: Benign for Hypertrophic cardiomyopathy. Last evaluated: 2025-11-11. Review status: reviewed by expert panel. Criteria: ClinGen CMP ACMG Specifications v1. Collection method: curation. Allele origin: germline. Inheritance: Autosomal dominant inheritance.
Comment: The filtering allele frequency of the c.1062C>T (p.Gly354=) variant in the MYH7 gene is 9.56% (1644/16510) of South Asian chromosomes by the Exome Aggregation Consortium, which is a high enough frequency to be classified as benign based on thresholds defined by the ClinGen Inherited Cardiomyopathy Expert Panel (BA1; PMID:29300372).

Labcorp Genetics (formerly Invitae), Labcorp
Classification: Benign for Hypertrophic cardiomyopathy. Last evaluated: 2026-02-04. Review status: criteria provided, single submitter. Criteria: Invitae Variant Classification Sherloc (09022015). Collection method: clinical testing. Allele origin: germline. Not counted in ClinVar's aggregate classification.

Blueprint Genetics
Classification: Benign. Last evaluated: 2024-11-27. Review status: criteria provided, single submitter. Criteria: ACMG Guidelines, 2015. Collection method: clinical testing. Allele origin: germline. Not counted in ClinVar's aggregate classification.

Cohesion Phenomics
Classification: Benign for Hypertrophic Cardiomyopathy. Last evaluated: 2022-10-10. Review status: criteria provided, single submitter. Criteria: ACMG Guidelines, 2015. Collection method: clinical testing. Allele origin: germline. Affected: yes. Not counted in ClinVar's aggregate classification.

Molecular Diagnostic Laboratory for Inherited Cardiovascular Disease, Montreal Heart Institute
Classification: Benign. Last evaluated: 2019-09-09. Review status: criteria provided, single submitter. Criteria: ACMG Guidelines, 2015. Collection method: clinical testing. Allele origin: germline. Affected: yes. Not counted in ClinVar's aggregate classification.

Color Diagnostics, LLC DBA Color Health
Classification: Benign for Cardiomyopathy. Last evaluated: 2018-03-15. Review status: criteria provided, single submitter. Criteria: ACMG Guidelines, 2015. Collection method: clinical testing. Allele origin: germline. Not counted in ClinVar's aggregate classification.

Illumina Laboratory Services, Illumina
Classification: Benign for Hypertrophic cardiomyopathy 1. Last evaluated: 2018-01-13. Review status: criteria provided, single submitter. Criteria: ICSL Variant Classification Criteria 13 December 2019. Collection method: clinical testing. Allele origin: germline. Not counted in ClinVar's aggregate classification.
Comment: This variant was observed in the ICSL laboratory as part of a predisposition screen in an ostensibly healthy population. It had not been previously curated by ICSL or reported in the Human Gene Mutation Database (HGMD: prior to June 1st, 2018), and was therefore a candidate for classification through an automated scoring system. Utilizing variant allele frequency, disease prevalence and penetrance estimates, and inheritance mode, an automated score was calculated to assess if this variant is too frequent to cause the disease. Based on the score and internal cut-off values, a variant classified as benign is not then subjected to further curation. The score for this variant resulted in a classification of benign for this disease.

Illumina Laboratory Services, Illumina
Classification: Benign for MYH7-related skeletal myopathy. Last evaluated: 2018-01-13. Review status: criteria provided, single submitter. Criteria: ICSL Variant Classification Criteria 13 December 2019. Collection method: clinical testing. Allele origin: germline. Not counted in ClinVar's aggregate classification.
Comment: the same text as in the submission from Illumina Laboratory Services, Illumina above.

Illumina Laboratory Services, Illumina
Classification: Benign for Myosin storage myopathy. Last evaluated: 2018-01-13. Review status: criteria provided, single submitter. Criteria: ICSL Variant Classification Criteria 13 December 2019. Collection method: clinical testing. Allele origin: germline. Not counted in ClinVar's aggregate classification.
Comment: the same text as in the submission from Illumina Laboratory Services, Illumina above.

Mayo Clinic Laboratories, Mayo Clinic
Classification: Benign. Last evaluated: 2017-07-25. Review status: criteria provided, single submitter. Criteria: ACMG Guidelines, 2015. Collection method: clinical testing. Allele origin: germline. Observed: 340 variant alleles. Not counted in ClinVar's aggregate classification.

Ambry Genetics
Classification: Benign for Cardiovascular phenotype. Last evaluated: 2015-06-16. Review status: criteria provided, single submitter. Criteria: Ambry Variant Classification Scheme 2023. Collection method: clinical testing. Allele origin: germline. Not counted in ClinVar's aggregate classification.

GeneDx
Classification: Benign. Last evaluated: 2012-09-25. Review status: criteria provided, single submitter. Criteria: GeneDx Variant Classification (06012015). Collection method: clinical testing. Allele origin: germline. Affected: yes. Not counted in ClinVar's aggregate classification.
Comment: This variant is considered likely benign or benign based on one or more of the following criteria: it is a conservative change, it occurs at a poorly conserved position in the protein, it is predicted to be benign by multiple in silico algorithms, and/or has population frequency not consistent with disease.

Laboratory for Molecular Medicine, Mass General Brigham Personalized Medicine
Classification: Benign. Last evaluated: 2008-01-18. Review status: criteria provided, single submitter. Criteria: LMM Criteria. Collection method: clinical testing. Allele origin: germline. Observed: 629 variant alleles. Not counted in ClinVar's aggregate classification.

Breakthrough Genomics
Classification: Benign. Review status: criteria provided, single submitter. Criteria: ACMG Guidelines, 2015. Collection method: not provided. Allele origin: germline. Inheritance: Autosomal recessive inheritance. Affected: yes. Not counted in ClinVar's aggregate classification.

PreventionGenetics, part of Exact Sciences
Classification: Benign. Review status: criteria provided, single submitter. Criteria: ACMG Guidelines, 2015. Collection method: clinical testing. Allele origin: germline. Not counted in ClinVar's aggregate classification.

Clinical Genetics, Academic Medical Center
Classification: Benign. Review status: no assertion criteria provided. Collection method: clinical testing. Allele origin: germline. Affected: yes. Study: VKGL Data-share Consensus. Not counted in ClinVar's aggregate classification.

Department of Pathology and Laboratory Medicine, Sinai Health System
Classification: Uncertain significance. Review status: no assertion criteria provided. Collection method: clinical testing. Allele origin: unknown. Affected: yes. Study: The Canadian Open Genetics Repository (COGR). Not counted in ClinVar's aggregate classification.
Comment: Allele frequency is common in at least one population database (frequency: 9.978% in gnomAD_Exomes) based on the frequency threshold of 0.637% for this gene. Variant was observed in a homozygous state in population databases more than expected for disease. A synonymous variant not located in a splice region.

Diagnostic Laboratory, Department of Genetics, University Medical Center Groningen
Classification: Benign. Review status: no assertion criteria provided. Collection method: clinical testing. Allele origin: germline. Affected: yes. Study: VKGL Data-share Consensus. Not counted in ClinVar's aggregate classification.

Dr. Peter K. Rogan Lab, Western University
No classification provided (evidence only). Condition: Colorectal cancer. Review status: no classification provided. Collection method: in vitro. Allele origin: not applicable. Functional consequence: retained intron. Not counted in ClinVar's aggregate classification.

Dr. Peter K. Rogan Lab, Western University
No classification provided (evidence only). Condition: Nonpapillary renal cell carcinoma. Review status: no classification provided. Collection method: in vitro. Allele origin: not applicable. Functional consequence: retained intron. Not counted in ClinVar's aggregate classification.

Dr. Peter K. Rogan Lab, Western University
No classification provided (evidence only). Condition: Cholangiocarcinoma. Review status: no classification provided. Collection method: in vitro. Allele origin: not applicable. Functional consequence: retained intron. Not counted in ClinVar's aggregate classification.

Dr. Peter K. Rogan Lab, Western University
No classification provided (evidence only). Condition: Adrenocortical carcinoma, hereditary. Review status: no classification provided. Collection method: in vitro. Allele origin: not applicable. Functional consequence: retained intron. Not counted in ClinVar's aggregate classification.

Dr. Peter K. Rogan Lab, Western University
No classification provided (evidence only). Condition: Uterine carcinosarcoma. Review status: no classification provided. Collection method: in vitro. Allele origin: not applicable. Functional consequence: retained intron. Not counted in ClinVar's aggregate classification.

Genetic Services Laboratory, University of Chicago
Classification: Likely benign for AllHighlyPenetrant. Review status: no assertion criteria provided. Collection method: clinical testing. Allele origin: germline. Inheritance: Autosomal dominant inheritance. Not counted in ClinVar's aggregate classification.
Comment: Likely benign based on allele frequency in 1000 Genomes Project or ESP global frequency and its presence in a patient with a rare or unrelated disease phenotype. NOT Sanger confirmed.

Genome Diagnostics Laboratory, University Medical Center Utrecht
Classification: Benign. Review status: no assertion criteria provided. Collection method: clinical testing. Allele origin: germline. Affected: yes. Study: VKGL Data-share Consensus. Not counted in ClinVar's aggregate classification.

Joint Genome Diagnostic Labs from Nijmegen and Maastricht, Radboudumc and MUMC+
Classification: Benign. Review status: no assertion criteria provided. Collection method: clinical testing. Allele origin: germline. Affected: yes. Study: VKGL Data-share Consensus. Not counted in ClinVar's aggregate classification.

Literature cited by the submitters: PubMed 29300372 (cited by ClinGen Cardiomyopathy Variant Curation Expert Panel).